The following is an entry in ClinVar:

NM_001177693.2(ARHGEF28):c.4948+11555G>A

Gene: ARHGEF28 (Rho guanine nucleotide exchange factor 28; plus strand). Cytogenetic location: 5q13.2.
Variant type: single nucleotide variant.
Coding change: c.4948+11555G>A on transcript NM_001177693.2 (MANE Select); 11555 bases into the intron after coding-DNA position 4948, G replaced by A.
Molecular consequence: intron variant. On other transcripts: synonymous variant (1).
Genome position (GRCh38, 1-based): chr5:73,923,130, G>A. VCF-style: chr5-73923130-G-A. GRCh37 (hg19) VCF-style: chr5-73218955-G-A.
Other names: c.4992G>A, p.Pro1664= (NM_001080479.3); c.4654+11555G>A (NM_001388076.1); c.4009+11555G>A (NM_001244364.2).
Identifiers: ClinVar variation 3354622 (VCV003354622.1).
Genomic context (GRCh38, chr5:73,923,130, plus strand): 5'-CCATATTTTGCATTCAGGCTCCAGTATGACAAAGTGCAGTTGTACGTTGACATCTCCCCC[G>A]GGACTGTGGACTGGAACCACATCTACTTTGAAAGGTAATACTGCAAGGGGGGTGCTTAGC-3'

ClinVar aggregate classification (germline): Likely benign (0 of 4 stars; one submission).

Conditions:
ARHGEF28-related disorder. Also called: ARHGEF28-related condition.

gnomAD v4.1: 58 of 1,535,698 alleles (0.0038%); highest among the groups gnomAD compares: South Asian, 0.0059%; 1 homozygote.

Submission:

PreventionGenetics, part of Exact Sciences
Classification: Likely benign for ARHGEF28-related condition. Last evaluated: 2024-06-17. Review status: no assertion criteria provided. Collection method: clinical testing. Allele origin: germline.
Comment: This variant is classified as likely benign based on ACMG/AMP sequence variant interpretation guidelines (Richards et al. 2015 PMID: 25741868, with internal and published modifications).